The following is an entry in ClinVar:

NM_001048174.2(MUTYH):c.1434+1del

Gene: MUTYH (mutY DNA glycosylase; minus strand). Cytogenetic location: 1p34.1.
Variant type: Deletion.
Coding change: c.1434+1del on transcript NM_001048174.2 (MANE Select); the canonical splice donor site of the intron after coding-DNA position 1434, one base deleted (G; older notation c.1434+1delG).
Molecular consequence: splice donor variant.
Genome position (GRCh38, 1-based): chr1:45,330,515, C deleted on the plus strand (G on the coding strand, the reverse complement: MUTYH is on the minus strand); the first of 2 consecutive C bases (chr1:45,330,515-45,330,516); deleting either gives the same sequence. VCF-style (leftmost placement, unchanged base first): chr1-45330514-AC-A. GRCh37 (hg19) VCF-style: chr1-45796186-AC-A.
Other names: c.1434+1del (NM_001407089.1, NM_001293195.2, NM_001407088.1 and 6 more transcripts); c.1437+1del (NM_001407086.1, NM_001407071.1, NM_001048172.2 and 1 more transcripts); c.1467+1del (NM_001293191.2, NM_001407069.1, NM_001407077.1); c.1476+1del (NM_001407085.1, NM_001407083.1); c.1455+1del (NM_001407087.1); c.1089+1del (NM_001350651.2, NM_001350650.2, NM_001407082.1); c.1158+1del (NM_001293192.2, NM_001293196.2, NM_001407091.1); c.1479+1del (NM_001293190.2); and 5 more.
Identifiers: ClinVar variation 3891301 (VCV003891301.1).
Genomic context (GRCh38, chr1:45,330,514, plus strand): 5'-GACTAAAAACCTATGGACTCAGGCCTGGGGAGACACGGTTGGGAGAGGCCTAGGAGACTT[AC>A]CATACAGGTCCCTGGCTGTTGGCCCTGATACACACGGAAAACCTAGACAAGAAGACAGGG-3'

ClinVar aggregate classification (germline): Uncertain significance (1 of 4 stars; one submission).

Conditions:
Hereditary cancer-predisposing syndrome. Also called: Tumor predisposition; Neoplastic Syndromes, Hereditary; Hereditary Cancer Syndrome; Hereditary neoplastic syndrome. Identifiers: Orphanet 140162, MedGen C0027672, MeSH D009386, MONDO:0015356.

Submission:

Molecular Diagnostics Laboratory, Catalan Institute of Oncology
Classification: Uncertain significance for Hereditary cancer-predisposing syndrome. Last evaluated: 2024-10-15. Review status: criteria provided, single submitter. Criteria: ACMG Guidelines, 2015. Collection method: clinical testing. Allele origin: germline.
Comment: PVS1_Strong, PM2_Supporting c.1518+1del, located in a canonic splicing site of the MUTYH is predicted to alter splicing. This alteration is expected to preserve the reading frame but the altered region is critical to protein function (PVS1_Strong). It is not present in the population database gnomAD v2.1.1, non-cancer dataset (PM2_supporting). To our knowledge, neither relevant clinical data nor well-established functional studies have been reported for this variant. This variant has not been reported in the ClinVar database or LOVD. Based on currently available information, the variant c.1518+1del should be considered an uncertain significance variant, according to the ACMG/AMP guidelines.